The following is an entry in ClinVar:

NM_001197104.2(KMT2A):c.10580G>T (p.Arg3527Leu)

Gene: KMT2A (lysine methyltransferase 2A; plus strand). Cytogenetic location: 11q23.3.
Variant type: single nucleotide variant.
Coding change: c.10580G>T on transcript NM_001197104.2 (MANE Select); coding-DNA position 10580, G replaced by T.
Protein change: p.Arg3527Leu; replaces arginine 3527 with leucine.
Molecular consequence: missense variant.
Genome position (GRCh38, 1-based): chr11:118,506,472, G>T. VCF-style: chr11-118506472-G-T. GRCh37 (hg19) VCF-style: chr11-118377187-G-T.
Other names: c.10670G>T, p.Arg3557Leu (NM_001412597.1); c.10571G>T, p.Arg3524Leu (NM_005933.4); short protein forms R3524L, R3557L, R3527L.
Identifiers: ClinVar variation 4839889 (VCV004839889.1).

ClinVar aggregate classification (germline): Uncertain significance (1 of 4 stars; one submission).

Conditions:
Inborn genetic diseases. Identifiers: MedGen C0950123, MeSH D030342.

gnomAD v4.1: 2 of 1,614,020 alleles (0.00012%); highest among the groups gnomAD compares: Non-Finnish European, 0.00017%; no homozygotes.

Submission:

Ambry Genetics
Classification: Uncertain significance for Inborn genetic diseases. Last evaluated: 2026-02-16. Review status: criteria provided, single submitter. Criteria: Ambry Variant Classification Scheme 2023. Collection method: clinical testing. Allele origin: germline.
Comment: The c.10580G>T (p.R3527L) alteration is located in exon 27 (coding exon 27) of the KMT2A gene. This alteration results from a G to T substitution at nucleotide position 10580, causing the arginine (R) at amino acid position 3527 to be replaced by a leucine (L). Based on data from gnomAD, the T allele has an overall frequency of <0.001% (1/251448) total alleles studied. The highest observed frequency was 0.001% (1/113730) of European (non-Finnish) alleles. Based on insufficient or conflicting evidence, the clinical significance of this alteration remains unclear.